The following is an entry in ClinVar:

ClinVar aggregate classification (germline): Pathogenic/Likely pathogenic. Review status: criteria provided, multiple submitters, no conflicts (2 of 4 stars). 6 submissions from 6 submitters: Pathogenic (2); Likely pathogenic (2). 2 of the submissions do not count toward it. Last evaluated 2025-12-24.

Conditions:
ODAD1-related disorder. Also called: ODAD1-related condition.
Primary ciliary dyskinesia 20. Also called: CILIARY DYSKINESIA, PRIMARY, 20, WITH OR WITHOUT SITUS INVERSUS. Identifiers: Orphanet 244, MedGen C3540844, MONDO:0014030, OMIM 615067.
Primary ciliary dyskinesia. Also called: Ciliary dyskinesia. Identifiers: Orphanet 244, MedGen C0008780, MONDO:0016575, HP:0012265.

Allele frequency attached by ClinVar (database versions not stated): gnomAD 0.00007 and 0.00009; ExAC 0.00008; gnomAD exomes 0.00008 and 0.00011; TOPMed 0.00008; 1000 Genomes Project 30x 0.00031; 1000 Genomes Project 0.00040.
gnomAD v4.1: 173 of 1,610,932 alleles (0.011%); highest among the groups gnomAD compares: Non-Finnish European, 0.013%; no homozygotes.

Submissions (6):

Labcorp Genetics (formerly Invitae), Labcorp
Classification: Pathogenic for Primary ciliary dyskinesia. Last evaluated: 2025-12-24. Review status: criteria provided, single submitter. Criteria: Invitae Variant Classification Sherloc (09022015). Collection method: clinical testing. Allele origin: germline.
Comment: This sequence change falls in intron 12 of the CCDC114 gene. It does not directly change the encoded amino acid sequence of the CCDC114 protein. It affects a nucleotide within the consensus splice site. This variant is present in population databases (rs201133219, gnomAD 0.05%). This variant has been observed in individual(s) with primary ciliary dyskinesia (PMID: 23261302; internal data). In at least one individual the data is consistent with being in trans (on the opposite chromosome) from a pathogenic variant. ClinVar contains an entry for this variant (Variation ID: 39640). Variants that disrupt the consensus splice site are a relatively common cause of aberrant splicing (PMID: 17576681, 9536098). Algorithms developed to predict the effect of sequence changes on RNA splicing suggest that this variant may disrupt the consensus splice site. For these reasons, this variant has been classified as Pathogenic.

Genetics and Molecular Pathology, SA Pathology
Classification: Likely pathogenic for Primary ciliary dyskinesia 20. Last evaluated: 2020-08-19. Review status: criteria provided, single submitter. Criteria: ACMG Guidelines, 2015. Collection method: clinical testing. Allele origin: germline. Inheritance: Autosomal recessive inheritance. Affected: yes.
Comment: PS3, PM3, PP3, PP5

CeGaT Center for Human Genetics Tuebingen
Classification: Pathogenic. Last evaluated: 2018-12-01. Review status: criteria provided, single submitter. Criteria: CeGaT Center For Human Genetics Tuebingen Variant Classification Criteria Version 2. Collection method: clinical testing. Allele origin: germline. Affected: yes. Observed: 1 variant allele.

Fulgent Genetics
Classification: Likely pathogenic for Primary ciliary dyskinesia 20. Last evaluated: 2018-10-31. Review status: criteria provided, single submitter. Criteria: ACMG Guidelines, 2015. Collection method: clinical testing. Allele origin: unknown.

PreventionGenetics, part of Exact Sciences
Classification: Pathogenic for ODAD1-related condition. Last evaluated: 2024-04-09. Review status: no assertion criteria provided. Collection method: clinical testing. Allele origin: germline. Not counted in ClinVar's aggregate classification.
Comment: The ODAD1 c.1391+5G>A variant is predicted to interfere with splicing. This variant has been reported in the compound heterozygous state in an individual with primary ciliary dyskinesia (Knowles et al. 2013. PubMed ID: 23261302). This variant was shown to disrupt the adjacent GT donor site in exon 12 of ODAD1, resulting in an out-of-frame deletion of exon 12 and a premature protein termination (Knowles et al. 2013. PubMed ID: 23261302). This variant is reported in 0.049% of alleles in individuals of Ashkenazi Jewish descent in gnomAD. This variant is interpreted as pathogenic.

OMIM
Classification: Pathogenic for CILIARY DYSKINESIA, PRIMARY, 20. Last evaluated: 2013-01-10. Review status: no assertion criteria provided. Collection method: literature only. Allele origin: germline. Not counted in ClinVar's aggregate classification.

Literature cited by the submitters: PubMed 23261302 (cited by Labcorp Genetics (formerly Invitae), Labcorp and OMIM); PubMed 17576681 (cited by Labcorp Genetics (formerly Invitae), Labcorp); PubMed 9536098 (cited by Labcorp Genetics (formerly Invitae), Labcorp).

NM_001364171.2(ODAD1):c.1502+5G>A

Gene: ODAD1 (outer dynein arm docking complex subunit 1; minus strand). Cytogenetic location: 19q13.33.
Variant type: single nucleotide variant.
Coding change: c.1502+5G>A on transcript NM_001364171.2 (MANE Select); 5 bases into the intron after coding-DNA position 1502, G replaced by A.
Molecular consequence: intron variant.
Genome position (GRCh38, 1-based): chr19:48,297,995, C>T on the plus strand (G>A on the coding strand, the complement: ODAD1 is on the minus strand). VCF-style: chr19-48297995-C-T. GRCh37 (hg19) VCF-style: chr19-48801252-C-T.
Other names: IVS12DS, G-A, +5; c.1391+5G>A (NM_144577.4).
Identifiers: ClinVar variation 39640 (VCV000039640.53), dbSNP rs201133219, ClinGen allele CA130418.